The following is an entry in ClinVar:

ClinVar aggregate classification (germline): Uncertain significance (1 of 4 stars; one submission).

Conditions:
Cardiovascular phenotype. Identifiers: MedGen CN230736.

Allele frequency attached by ClinVar (database versions not stated): ExAC 0.00001.
gnomAD v4.1: 3 of 1,614,142 alleles (0.00019%); highest among the groups gnomAD compares: Non-Finnish European, 0.00025%; no homozygotes.

Submission:

Ambry Genetics
Classification: Uncertain significance for Cardiovascular phenotype. Last evaluated: 2023-09-10. Review status: criteria provided, single submitter. Criteria: Ambry Variant Classification Scheme 2023. Collection method: clinical testing. Allele origin: germline.
Comment: The p.I1028T variant (also known as c.3083T>C), located in coding exon 25 of the JAG1 gene, results from a T to C substitution at nucleotide position 3083. The isoleucine at codon 1028 is replaced by threonine, an amino acid with similar properties. This amino acid position is conserved. In addition, the in silico prediction for this alteration is inconclusive. Since supporting evidence is limited at this time, the clinical significance of this alteration remains unclear.

NM_000214.3(JAG1):c.3083T>C (p.Ile1028Thr)

Gene: JAG1 (jagged canonical Notch ligand 1; minus strand). Cytogenetic location: 20p12.2.
Variant type: single nucleotide variant.
Coding change: c.3083T>C on transcript NM_000214.3 (MANE Select); coding-DNA position 3083, T replaced by C.
Protein change: p.Ile1028Thr; replaces isoleucine 1028 with threonine.
Molecular consequence: missense variant.
Genome position (GRCh38, 1-based): chr20:10,640,899, A>G on the plus strand (T>C on the coding strand, the complement: JAG1 is on the minus strand). VCF-style: chr20-10640899-A-G. GRCh37 (hg19) VCF-style: chr20-10621547-A-G.
Other names: short protein forms I1028T.
Identifiers: ClinVar variation 2624843 (VCV002624843.2), dbSNP rs761187116, ClinGen allele CA9764283.
Genomic context (GRCh38, chr20:10,640,899, plus strand): 5'-AGCGAGCTGTTTCCATCACGTTTACTAACAAGATCGATTATTTTGTCAGTGATTTCCTTG[A>G]TCGGGTTCCCATCATCCCGTATATCTTCAGCAGACTGGAAAAACAATTGTCAGACTTGAG-3'
Protein context (NP_000205.1, residues 1018-1038): AEDIRDDGNP[Ile1028Thr]KEITDKIIDL